The following is an entry in ClinVar:

NM_001458.5(FLNC):c.5542A>G (p.Ser1848Gly)

Genes: FLNC-AS1 (FLNC antisense RNA 1; minus strand), FLNC (filamin C; plus strand). Cytogenetic location: 7q32.1.
Variant type: single nucleotide variant.
Coding change: c.5542A>G on transcript NM_001458.5 (MANE Select); coding-DNA position 5542, A replaced by G.
Protein change: p.Ser1848Gly; replaces serine 1848 with glycine.
Molecular consequence: missense variant.
Genome position (GRCh38, 1-based): chr7:128,851,234, A>G. VCF-style: chr7-128851234-A-G. GRCh37 (hg19) VCF-style: chr7-128491288-A-G.
Other names: c.5443A>G, p.Ser1815Gly (NM_001127487.2); short protein forms S1815G, S1848G.
Identifiers: ClinVar variation 3759833 (VCV003759833.2).

ClinVar aggregate classification (germline): Uncertain significance (1 of 4 stars; one submission).

Conditions:
Distal myopathy with posterior leg and anterior hand involvement. Also called: WILLIAMS DISTAL MYOPATHY. Identifiers: Orphanet 63273, MedGen C3279722, MONDO:0013550, OMIM 614065.
Hypertrophic cardiomyopathy 26. Also called: Cardiomyopathy, familial hypertrophic, 26. Identifiers: Orphanet 75249, MedGen C4310749, MONDO:0014883, OMIM 617047.
Myofibrillar myopathy 5. Also called: Filaminopathy (type); FILAMINOPATHY, AUTOSOMAL DOMINANT. Identifiers: Orphanet 171445, MedGen C1836050, MONDO:0012289, OMIM 609524.

Submission:

Labcorp Genetics (formerly Invitae), Labcorp
Classification: Uncertain significance for Distal myopathy with posterior leg and anterior hand involvement; Myofibrillar myopathy 5; Hypertrophic cardiomyopathy 26. Last evaluated: 2024-11-19. Review status: criteria provided, single submitter. Criteria: Invitae Variant Classification Sherloc (09022015). Collection method: clinical testing. Allele origin: germline.
Comment: This sequence change replaces serine, which is neutral and polar, with glycine, which is neutral and non-polar, at codon 1848 of the FLNC protein (p.Ser1848Gly). This variant is not present in population databases (gnomAD no frequency). This variant has not been reported in the literature in individuals affected with FLNC-related conditions. An algorithm developed to predict the effect of missense changes on protein structure and function (PolyPhen-2) suggests that this variant is likely to be disruptive. In summary, the available evidence is currently insufficient to determine the role of this variant in disease. Therefore, it has been classified as a Variant of Uncertain Significance.